The following is an entry in ClinVar:

NM_000051.4(ATM):c.1656A>G (p.Pro552=)

Gene: ATM (ATM serine/threonine kinase; plus strand). Cytogenetic location: 11q22.3.
Variant type: single nucleotide variant.
Coding change: c.1656A>G on transcript NM_000051.4 (MANE Select); coding-DNA position 1656, A replaced by G.
Protein change: p.Pro552=; no amino-acid change (proline 552 retained).
Molecular consequence: synonymous variant.
Genome position (GRCh38, 1-based): chr11:108,251,885, A>G. VCF-style: chr11-108251885-A-G. GRCh37 (hg19) VCF-style: chr11-108122612-A-G.
Other names: c.1656A>G, p.Pro552= (NM_001351834.2).
Identifiers: ClinVar variation 414548 (VCV000414548.37), dbSNP rs1060504275, ClinGen allele CA16612994.
Genomic context (GRCh38, chr11:108,251,885, plus strand): 5'-GTTTTGTTATAGTCCTGCAGTATGCTGTTTGACTTTGGCACTGACCACCAGTATAGTTCC[A>G]GGAACGGTAAAAATGGGAATAGAGCAAAATATGTGTGAAGTAAATAGAAGCTTTTCTTTA-3'
Protein context (NP_000042.3, residues 542-562): LTLALTTSIV[Pro552=]GTVKMGIEQN

ClinVar aggregate classification (germline): Benign/Likely benign. Review status: criteria provided, multiple submitters, no conflicts (2 of 4 stars). 5 submissions from 5 submitters: Benign (1); Likely benign (4). Last evaluated 2025-10-26.

Conditions:
Hereditary cancer-predisposing syndrome. Also called: Tumor predisposition; Hereditary neoplastic syndrome; Hereditary Cancer Syndrome; Neoplastic Syndromes, Hereditary. Identifiers: Orphanet 140162, MedGen C0027672, MeSH D009386, MONDO:0015356.
Familial cancer of breast. Also called: hereditary breast carcinoma; BREAST CANCER, FAMILIAL; Hereditary breast cancer. Identifiers: Orphanet 227535, MedGen C0346153, MONDO:0016419, OMIM 114480. Disease mechanism: loss of function.
Ataxia-telangiectasia syndrome (AT). Also called: LOUIS-BAR SYNDROME; Ataxia-telangiectasia, complementation group E; Ataxia telangiectasia (A-T); Cerebello-oculocutaneous telangiectasia; Immunodeficiency with ataxia telangiectasia; Ataxia-telangiectasia, complementation group D. Identifiers: Orphanet 100, MedGen C0004135, MONDO:0008840, OMIM 208900.

Allele frequency attached by ClinVar (database versions not stated): gnomAD 0.00001.
gnomAD v4.1: 1 of 1,613,848 alleles (0.000062%); highest among the groups gnomAD compares: Non-Finnish European, 0.000085%; no homozygotes.

Submissions (5):

Labcorp Genetics (formerly Invitae), Labcorp
Classification: Likely benign for Ataxia-telangiectasia syndrome. Last evaluated: 2025-10-26. Review status: criteria provided, single submitter. Criteria: Invitae Variant Classification Sherloc (09022015). Collection method: clinical testing. Allele origin: germline.

Myriad Genetics, Inc.
Classification: Benign for Familial cancer of breast. Last evaluated: 2024-05-01. Review status: criteria provided, single submitter. Criteria: Myriad Autosomal Dominant, Autosomal Recessive and X-Linked Classification Criteria (2023). Collection method: clinical testing. Allele origin: unknown.
Comment: This variant is considered benign. This variant is a silent/synonymous amino acid change and it is not expected to impact splicing.

CeGaT Center for Human Genetics Tuebingen
Classification: Likely benign. Last evaluated: 2023-08-01. Review status: criteria provided, single submitter. Criteria: CeGaT Center For Human Genetics Tuebingen Variant Classification Criteria Version 2. Collection method: clinical testing. Allele origin: germline. Affected: yes. Observed: 1 variant allele.
Comment: ATM: BP4, BP7

Sema4
Classification: Likely benign for Hereditary cancer-predisposing syndrome. Last evaluated: 2021-10-22. Review status: criteria provided, single submitter. Criteria: Sema4 Curation Guidelines. Collection method: curation. Allele origin: germline.

Ambry Genetics
Classification: Likely benign for Hereditary cancer-predisposing syndrome. Last evaluated: 2017-04-04. Review status: criteria provided, single submitter. Criteria: Ambry Variant Classification Scheme 2023. Collection method: clinical testing. Allele origin: germline.